The following is an entry in ClinVar:

ClinVar aggregate classification (germline): Uncertain significance (1 of 4 stars; one submission).

gnomAD v4.1: 2 of 1,614,170 alleles (0.00012%); highest among the groups gnomAD compares: Non-Finnish European, 0.00017%; no homozygotes.

Submission:

Labcorp Genetics (formerly Invitae), Labcorp
Classification: Uncertain significance. Last evaluated: 2022-08-16. Review status: criteria provided, single submitter. Criteria: Invitae Variant Classification Sherloc (09022015). Collection method: clinical testing. Allele origin: germline.
Comment: In summary, the available evidence is currently insufficient to determine the role of this variant in disease. Therefore, it has been classified as a Variant of Uncertain Significance. Algorithms developed to predict the effect of missense changes on protein structure and function are either unavailable or do not agree on the potential impact of this missense change (SIFT: "Deleterious"; PolyPhen-2: "Benign"; Align-GVGD: "Class C0"). This variant has not been reported in the literature in individuals affected with VCAN-related conditions. This variant is not present in population databases (gnomAD no frequency). This sequence change replaces phenylalanine, which is neutral and non-polar, with leucine, which is neutral and non-polar, at codon 61 of the VCAN protein (p.Phe61Leu).

NM_004385.5(VCAN):c.183T>G (p.Phe61Leu)

Gene: VCAN (versican; plus strand). Cytogenetic location: 5q14.2.
Variant type: single nucleotide variant.
Coding change: c.183T>G on transcript NM_004385.5 (MANE Select); coding-DNA position 183, T replaced by G.
Protein change: p.Phe61Leu; replaces phenylalanine 61 with leucine.
Molecular consequence: missense variant.
Genome position (GRCh38, 1-based): chr5:83,490,210, T>G. VCF-style: chr5-83490210-T-G. GRCh37 (hg19) VCF-style: chr5-82786029-T-G.
Other names: c.183T>G, p.Phe61Leu (NM_001126336.3, NM_001164097.2, NM_001164098.2); short protein forms F61L.
Identifiers: ClinVar variation 2063586 (VCV002063586.4), dbSNP rs2478963896, ClinGen allele CA360295146.